The following is an entry in ClinVar:

ClinVar aggregate classification (germline): Pathogenic. Review status: criteria provided, single submitter (1 of 4 stars). 2 submissions from 2 submitters: Pathogenic (1). 1 of the submissions does not count toward it. Last evaluated 2023-09-08.

Conditions:
Polycystic kidney disease 4 (PKD4). Also called: POLYCYSTIC KIDNEY DISEASE 4 WITH OR WITHOUT POLYCYSTIC LIVER DISEASE; POLYCYSTIC KIDNEY AND HEPATIC DISEASE 1; POLYCYSTIC KIDNEY DISEASE, INFANTILE, TYPE I; PKD3; Autosomal Recessive Polycystic Kidney Disease – PKHD1. Identifiers: MedGen C4540575, MONDO:0033004, OMIM 263200.
Autosomal recessive polycystic kidney disease (ARPKD). Also called: AR polycystic kidney disease. Identifiers: Orphanet 731, Orphanet 8378, MedGen C0085548, MeSH D017044, MONDO:0009889.

Submissions (2):

Labcorp Genetics (formerly Invitae), Labcorp
Classification: Pathogenic for Autosomal recessive polycystic kidney disease. Last evaluated: 2023-09-08. Review status: criteria provided, single submitter. Criteria: Invitae Variant Classification Sherloc (09022015). Collection method: clinical testing. Allele origin: germline.
Comment: For these reasons, this variant has been classified as Pathogenic. ClinVar contains an entry for this variant (Variation ID: 554145). This variant has not been reported in the literature in individuals affected with PKHD1-related conditions. This variant is not present in population databases (gnomAD no frequency). This sequence change creates a premature translational stop signal (p.Val3471Serfs*40) in the PKHD1 gene. It is expected to result in an absent or disrupted protein product. Loss-of-function variants in PKHD1 are known to be pathogenic (PMID: 19940839).

Counsyl
Classification: Likely pathogenic for Polycystic kidney disease 4. Last evaluated: 2017-09-28. Review status: no assertion criteria provided. Collection method: clinical testing. Allele origin: unknown. Not counted in ClinVar's aggregate classification.

Literature cited by the submitters: PubMed 19940839 (cited by Labcorp Genetics (formerly Invitae), Labcorp).

NM_138694.4(PKHD1):c.10411del (p.Val3471fs)

Gene: PKHD1 (PKHD1 ciliary IPT domain containing fibrocystin/polyductin; minus strand). Cytogenetic location: 6p12.3.
Variant type: Deletion.
Coding change: c.10411del on transcript NM_138694.4 (MANE Select); coding-DNA position 10411, one base deleted (G; older notation c.10411delG).
Protein change: p.Val3471fs; shifts the reading frame from valine 3471.
Molecular consequence: frameshift variant.
Genome position (GRCh38, 1-based): chr6:51,659,715, C deleted on the plus strand (G on the coding strand, the reverse complement: PKHD1 is on the minus strand). VCF-style (leftmost placement, unchanged base first): chr6-51659714-AC-A. GRCh37 (hg19) VCF-style: chr6-51524512-AC-A.
Other names: short protein forms V3471fs.
Identifiers: ClinVar variation 554145 (VCV000554145.7), dbSNP rs1554183588, ClinGen allele CA658822164.